The following is an entry in ClinVar:

NM_005413.4(SIX3):c.52A>T (p.Asn18Tyr)

Gene: SIX3 (SIX homeobox 3; plus strand). Cytogenetic location: 2p21.
Variant type: single nucleotide variant.
Coding change: c.52A>T on transcript NM_005413.4 (MANE Select); coding-DNA position 52, A replaced by T.
Protein change: p.Asn18Tyr; replaces asparagine 18 with tyrosine.
Molecular consequence: missense variant.
Genome position (GRCh38, 1-based): chr2:44,942,156, A>T. VCF-style: chr2-44942156-A-T. GRCh37 (hg19) VCF-style: chr2-45169295-A-T.
Other names: short protein forms N18Y.
Identifiers: ClinVar variation 566334 (VCV000566334.6), dbSNP rs551637040, ClinGen allele CA346798781.
Genomic context (GRCh38, chr2:44,942,156, plus strand): 5'-GGTCAGTCCATGGTATTCCGCTCCCCCCTAGACCTCTATTCCTCCCACTTCTTGTTGCCA[A>T]ACTTCGCCGATTCTCACCACCGCTCCATACTTCTGGCGAGTAGCGGCGGCGGGAACGGTG-3'
Protein context (NP_005404.1, residues 8-28): DLYSSHFLLP[Asn18Tyr]FADSHHRSIL

ClinVar aggregate classification (germline): Uncertain significance (1 of 4 stars; one submission).

Conditions:
Holoprosencephaly 2 (HPE2). Identifiers: Orphanet 2162, MedGen C1834877, MONDO:0007999, OMIM 157170.

Allele frequency attached by ClinVar (database versions not stated): TOPMed below 0.00001.

Submission:

Labcorp Genetics (formerly Invitae), Labcorp
Classification: Uncertain significance for Holoprosencephaly 2. Last evaluated: 2025-09-27. Review status: criteria provided, single submitter. Criteria: Invitae Variant Classification Sherloc (09022015). Collection method: clinical testing. Allele origin: germline.
Comment: This sequence change replaces asparagine, which is neutral and polar, with tyrosine, which is neutral and polar, at codon 18 of the SIX3 protein (p.Asn18Tyr). This variant is not present in population databases (gnomAD no frequency). This variant has not been reported in the literature in individuals affected with SIX3-related conditions. ClinVar contains an entry for this variant (Variation ID: 566334). An algorithm developed to predict the effect of missense changes on protein structure and function (PolyPhen-2) suggests that this variant is likely to be disruptive. In summary, the available evidence is currently insufficient to determine the role of this variant in disease. Therefore, it has been classified as a Variant of Uncertain Significance.